The following is an entry in ClinVar:

ClinVar aggregate classification (germline): Uncertain significance (1 of 4 stars; one submission).

Submission:

Laboratorio de Genetica e Diagnostico Molecular, Hospital Israelita Albert Einstein
Classification: Uncertain significance. Last evaluated: 2022-03-28. Review status: criteria provided, single submitter. Criteria: ACMG Guidelines, 2015. Collection method: clinical testing. Allele origin: germline. Affected: yes.
Comment: ACMG classification criteria: PM1, PM2, PP3

NM_000257.4(MYH7):c.1456C>A (p.Gln486Lys)

Gene: MYH7 (myosin heavy chain 7; minus strand). Cytogenetic location: 14q11.2.
Variant type: single nucleotide variant.
Coding change: c.1456C>A on transcript NM_000257.4 (MANE Select); coding-DNA position 1456, C replaced by A.
Protein change: p.Gln486Lys; replaces glutamine 486 with lysine.
Molecular consequence: missense variant.
Genome position (GRCh38, 1-based): chr14:23,428,622, G>T on the plus strand (C>A on the coding strand, the complement: MYH7 is on the minus strand). VCF-style: chr14-23428622-G-T. GRCh37 (hg19) VCF-style: chr14-23897831-G-T.
Other names: short protein forms Q486K.
Identifiers: ClinVar variation 1690594 (VCV001690594.2), dbSNP rs1186558363, ClinGen allele CA389050563.